The following is an entry in ClinVar:

ClinVar aggregate classification (germline): Uncertain significance (1 of 4 stars; one submission).

Conditions:
Encephalopathy, acute, infection-induced (herpes-specific), susceptibility to, 1. Also called: Herpes simplex encephalitis, susceptibility to, 1. Identifiers: Orphanet 1930, MedGen C2750180, MONDO:0024563, OMIM 610551.

Submission:

Labcorp Genetics (formerly Invitae), Labcorp
Classification: Uncertain significance for Encephalopathy, acute, infection-induced (herpes-specific), susceptibility to, 1. Last evaluated: 2022-07-19. Review status: criteria provided, single submitter. Criteria: Invitae Variant Classification Sherloc (09022015). Collection method: clinical testing. Allele origin: germline.
Comment: In summary, the available evidence is currently insufficient to determine the role of this variant in disease. Therefore, it has been classified as a Variant of Uncertain Significance. Experimental studies and prediction algorithms are not available or were not evaluated, and the functional significance of this variant is currently unknown. ClinVar contains an entry for this variant (Variation ID: 1465072). This variant has not been reported in the literature in individuals affected with TLR3-related conditions. This variant is not present in population databases (gnomAD no frequency). This variant, c.106_129del, results in the deletion of 8 amino acid(s) of the TLR3 protein (p.Asp36_Thr43del), but otherwise preserves the integrity of the reading frame.

NM_003265.3(TLR3):c.106_129del (p.Asp36_Thr43del)

Gene: TLR3 (toll like receptor 3; plus strand). Cytogenetic location: 4q35.1.
Variant type: Deletion.
Coding change: c.106_129del on transcript NM_003265.3 (MANE Select); coding-DNA positions 106 to 129, 24 bases deleted (GACTGCAGCCACCTGAAGTTGACT).
Protein change: p.Asp36_Thr43del.
Molecular consequence: inframe deletion.
Genome position (GRCh38, 1-based): chr4:186,076,725-186,076,748, GACTGCAGCCACCTGAAGTTGACT deleted; deleting any 24 consecutive bases within chr4:186,076,723-186,076,748 gives the same sequence; the c. name uses the placement nearest the transcript's 3' end. VCF-style (leftmost placement, unchanged base first): chr4-186076722-GCTGACTGCAGCCACCTGAAGTTGA-G. GRCh37 (hg19) VCF-style: chr4-186997876-GCTGACTGCAGCCACCTGAAGTTGA-G.
Identifiers: ClinVar variation 1465072 (VCV001465072.6), dbSNP rs2150066304, ClinGen allele CA2573138185.
Genomic context (GRCh38, chr4:186,076,722, plus strand): 5'-TTGCCCTTTGGGATGCTGTGTGCATCCTCCACCACCAAGTGCACTGTTAGCCATGAAGTT[GCTGACTGCAGCCACCTGAAGTTGA>G]CTCAGGTACCCGATGATCTACCCACAAACATAACAGTGTTGAACCTTACCCATAATCAAC-3'